The following is an entry in ClinVar:

NM_212482.4(FN1):c.2045T>C (p.Ile682Thr)

Gene: FN1 (fibronectin 1; minus strand). Cytogenetic location: 2q35.
Variant type: single nucleotide variant.
Coding change: c.2045T>C on transcript NM_212482.4 (MANE Select); coding-DNA position 2045, T replaced by C.
Protein change: p.Ile682Thr; replaces isoleucine 682 with threonine.
Molecular consequence: missense variant.
Genome position (GRCh38, 1-based): chr2:215,410,011, A>G on the plus strand (T>C on the coding strand, the complement: FN1 is on the minus strand). VCF-style: chr2-215410011-A-G. GRCh37 (hg19) VCF-style: chr2-216274734-A-G.
Other names: c.2045T>C, p.Ile682Thr (NM_001306129.2, NM_001306130.2, NM_001306131.2 and 13 more transcripts); short protein forms I682T.
Identifiers: ClinVar variation 4988398 (VCV004988398.1).

ClinVar aggregate classification (germline): Uncertain significance (1 of 4 stars; one submission).

Conditions:
FN1-related disorder. Also called: FN1-related condition.

Submission:

PreventionGenetics, part of Exact Sciences
Classification: Uncertain significance for FN1-related condition. Last evaluated: 2025-03-27. Review status: criteria provided, single submitter. Criteria: ACMG Guidelines, 2015. Collection method: clinical testing. Allele origin: germline.
Comment: The FN1 c.2045T>C variant is predicted to result in the amino acid substitution p.Ile682Thr. To our knowledge, this variant has not been reported in the literature or in a large population database (gnomAD), indicating this variant is rare. At this time, the clinical significance of this variant is uncertain due to the absence of conclusive functional and genetic evidence.